The following is an entry in ClinVar:

ClinVar aggregate classification (germline): Likely benign. Review status: criteria provided, multiple submitters, no conflicts (2 of 4 stars). 2 submissions from 2 submitters: Likely benign (2). Last evaluated 2026-01-30.

Conditions:
TRRAP-related disorder. Also called: TRRAP-related condition.

Allele frequency attached by ClinVar (database versions not stated): ExAC 0.00009; gnomAD exomes 0.00013; TOPMed 0.00013; gnomAD 0.00014; ESP Exome Variant Server 0.00038.
gnomAD v4.1: 198 of 1,612,120 alleles (0.012%); highest among the groups gnomAD compares: Non-Finnish European, 0.016%; no homozygotes.

Submissions (2):

PreventionGenetics, part of Exact Sciences
Classification: Likely benign for TRRAP-related condition. Last evaluated: 2026-01-30. Review status: criteria provided, single submitter. Criteria: ACMG Guidelines, 2015. Collection method: clinical testing. Allele origin: germline.
Comment: This variant is classified as likely benign based on ACMG/AMP sequence variant interpretation guidelines (Richards et al. 2015 PMID: 25741868, with internal and published modifications).

Labcorp Genetics (formerly Invitae), Labcorp
Classification: Likely benign. Last evaluated: 2025-02-11. Review status: criteria provided, single submitter. Criteria: Invitae Variant Classification Sherloc (09022015). Collection method: clinical testing. Allele origin: germline.

NM_001375524.1(TRRAP):c.7987C>T (p.Leu2663=)

Gene: TRRAP (transformation/transcription domain associated protein; plus strand). Cytogenetic location: 7q22.1.
Variant type: single nucleotide variant.
Coding change: c.7987C>T on transcript NM_001375524.1 (MANE Select); coding-DNA position 7987, C replaced by T.
Protein change: p.Leu2663=; no amino-acid change (leucine 2663 retained).
Molecular consequence: synonymous variant.
Genome position (GRCh38, 1-based): chr7:98,976,510, C>T. VCF-style: chr7-98976510-C-T. GRCh37 (hg19) VCF-style: chr7-98574133-C-T.
Other names: c.7966C>T, p.Leu2656= (NM_001244580.2); c.7912C>T, p.Leu2638= (NM_003496.4); c.7912C>T (NM_003496.3).
Identifiers: ClinVar variation 2086320 (VCV002086320.5), dbSNP rs142487339, ClinGen allele CA4361306.